The following is an entry in ClinVar:

NM_001127208.3(TET2):c.3296C>G (p.Ser1099Cys)

Genes: TET2 (tet methylcytosine dioxygenase 2; plus strand), TET2-AS1 (TET2 antisense RNA 1; minus strand). Cytogenetic location: 4q24.
Variant type: single nucleotide variant.
Coding change: c.3296C>G on transcript NM_001127208.3 (MANE Select); coding-DNA position 3296, C replaced by G.
Protein change: p.Ser1099Cys; replaces serine 1099 with cysteine.
Molecular consequence: missense variant.
Genome position (GRCh38, 1-based): chr4:105,237,238, C>G. VCF-style: chr4-105237238-C-G. GRCh37 (hg19) VCF-style: chr4-106158395-C-G.
Other names: c.3296C>G, p.Ser1099Cys (NM_017628.4); short protein forms S1099C.
Identifiers: ClinVar variation 4594182 (VCV004594182.1).
Genomic context (GRCh38, chr4:105,237,238, plus strand): 5'-CAGCTTTAGAGCAGCAAACAACTTCTTCAGAAAAGACACCAACCAAAAGAACAGCTGCTT[C>G]TGTTCTCAATAATTTTATAGAGTCACCTTCCAAATTACTAGATACTCCTATAAAAAATTT-3'
Protein context (NP_001120680.1, residues 1089-1109): EKTPTKRTAA[Ser1099Cys]VLNNFIESPS

ClinVar aggregate classification (germline): Uncertain significance (1 of 4 stars; one submission).

Submission:

Ambry Genetics
Classification: Uncertain significance. Last evaluated: 2025-11-01. Review status: criteria provided, single submitter. Criteria: Ambry Variant Classification Scheme 2023. Collection method: clinical testing. Allele origin: germline.
Comment: The p.S1099C variant (also known as c.3296C>G), located in coding exon 1 of the TET2 gene, results from a C to G substitution at nucleotide position 3296. The serine at codon 1099 is replaced by cysteine, an amino acid with dissimilar properties. This amino acid position is conserved. In addition, this alteration is predicted to be tolerated by in silico analysis. Based on the available evidence, the clinical significance of this variant remains unclear.